The following is an entry in ClinVar:

ClinVar aggregate classification (germline): Benign. Review status: criteria provided, multiple submitters, no conflicts (2 of 4 stars). 5 submissions from 5 submitters: Benign (4). 1 of the submissions does not count toward it. Last evaluated 2025-12-13.

Conditions:
NBEAL2-related disorder. Also called: NBEAL2-related condition.
Gray platelet syndrome (GPS). Also called: BLEEDING DISORDER, PLATELET-TYPE, 4. Identifiers: Orphanet 721, MedGen C0272302, MONDO:0007686, OMIM 139090.

Allele frequency attached by ClinVar (database versions not stated): ESP Exome Variant Server 0.00008; gnomAD exomes 0.00064 and 0.00196; gnomAD 0.00066 and 0.00103; TOPMed 0.00140; ExAC 0.00192; 1000 Genomes Project 30x 0.00484; 1000 Genomes Project 0.00519.
gnomAD v4.1: 1,140 of 1,612,378 alleles (0.071%); highest among the groups gnomAD compares: East Asian, 2%; 18 homozygotes.

Submissions (5):

Labcorp Genetics (formerly Invitae), Labcorp
Classification: Benign. Last evaluated: 2025-12-13. Review status: criteria provided, single submitter. Criteria: Invitae Variant Classification Sherloc (09022015). Collection method: clinical testing. Allele origin: germline.

Mayo Clinic Laboratories, Mayo Clinic
Classification: Benign. Last evaluated: 2025-02-18. Review status: criteria provided, single submitter. Criteria: ACMG Guidelines, 2015. Collection method: clinical testing. Allele origin: germline. Observed: 1 variant allele.
Comment: BS1, BS2, BP4, BP7

Illumina Laboratory Services, Illumina
Classification: Benign for Gray platelet syndrome. Last evaluated: 2018-01-13. Review status: criteria provided, single submitter. Criteria: ICSL Variant Classification Criteria 13 December 2019. Collection method: clinical testing. Allele origin: germline.
Comment: This variant was observed in the ICSL laboratory as part of a predisposition screen in an ostensibly healthy population. It had not been previously curated by ICSL or reported in the Human Gene Mutation Database (HGMD: prior to June 1st, 2018), and was therefore a candidate for classification through an automated scoring system. Utilizing variant allele frequency, disease prevalence and penetrance estimates, and inheritance mode, an automated score was calculated to assess if this variant is too frequent to cause the disease. Based on the score and internal cut-off values, a variant classified as benign is not then subjected to further curation. The score for this variant resulted in a classification of benign for this disease.

Breakthrough Genomics
Classification: Benign. Review status: criteria provided, single submitter. Criteria: ACMG Guidelines, 2015. Collection method: not provided. Allele origin: germline. Inheritance: Autosomal recessive inheritance. Affected: yes.

PreventionGenetics, part of Exact Sciences
Classification: Benign for NBEAL2-related condition. Last evaluated: 2021-02-23. Review status: no assertion criteria provided. Collection method: clinical testing. Allele origin: germline. Not counted in ClinVar's aggregate classification.
Comment: This variant is classified as benign based on ACMG/AMP sequence variant interpretation guidelines (Richards et al. 2015 PMID: 25741868, with internal and published modifications).

NM_015175.3(NBEAL2):c.187C>T (p.Leu63=)

Gene: NBEAL2 (neurobeachin like 2; plus strand). Cytogenetic location: 3p21.31.
Variant type: single nucleotide variant.
Coding change: c.187C>T on transcript NM_015175.3 (MANE Select); coding-DNA position 187, C replaced by T.
Protein change: p.Leu63=; no amino-acid change (leucine 63 retained).
Molecular consequence: synonymous variant.
Genome position (GRCh38, 1-based): chr3:46,988,888, C>T. VCF-style: chr3-46988888-C-T. GRCh37 (hg19) VCF-style: chr3-47030378-C-T.
Other names: p.Leu63=; c.166C>T, p.Leu56= (NM_001365116.2).
Identifiers: ClinVar variation 713198 (VCV000713198.13), dbSNP rs80105480, ClinGen allele CA2360011.